The following is an entry in ClinVar:

NM_001165963.4(SCN1A):c.1162T>C (p.Tyr388His)

Gene: SCN1A (sodium voltage-gated channel alpha subunit 1; minus strand). Cytogenetic location: 2q24.3.
Variant type: single nucleotide variant.
Coding change: c.1162T>C on transcript NM_001165963.4 (MANE Select); coding-DNA position 1162, T replaced by C.
Protein change: p.Tyr388His; replaces tyrosine 388 with histidine.
Molecular consequence: missense variant. On other transcripts: 5 prime UTR variant (1), non-coding transcript variant (1).
Genome position (GRCh38, 1-based): chr2:166,047,635, A>G on the plus strand (T>C on the coding strand, the complement: SCN1A is on the minus strand). VCF-style: chr2-166047635-A-G. GRCh37 (hg19) VCF-style: chr2-166904145-A-G.
Other names: c.1162T>C, p.Tyr388His (NM_001165964.3, NM_001202435.3, NM_001353948.2 and 10 more transcripts); c.-1264T>C (NM_001353961.2); short protein forms Y388H.
Identifiers: ClinVar variation 68586 (VCV000068586.8), dbSNP rs121918781, ClinGen allele CA266098.
Genomic context (GRCh38, chr2:166,047,635, plus strand): 5'-GTTTTCTTGTATACTTTTACTTAAATGGAGAGTGTGGCTCTTTAGTTCTCACCAGTTGAT[A>G]AAGATTTTCCCAGAAGTCCTGAGTCATTAGTCGAAACAAGGACAAAAAAGCCCAACTGAA-3'
Protein context (NP_001159435.1, residues 378-398): LMTQDFWENL[Tyr388His]QLTLRAAGKT

ClinVar aggregate classification (germline): Pathogenic. Review status: criteria provided, multiple submitters, no conflicts (2 of 4 stars). 3 submissions from 3 submitters: Pathogenic (2). 1 of the submissions does not count toward it. Last evaluated 2022-01-03.

Conditions:
Early-infantile DEE. Also called: Early infantile epileptic encephalopathy; Early infantile epileptic encephalopathy with suppression bursts; Ohtahara syndrome. Identifiers: Orphanet 1934, MedGen C0393706, MONDO:0800491.
Generalized epilepsy with febrile seizures plus, type 1 (GEFSP1). Also called: GEFS+, TYPE 1. Identifiers: Orphanet 36387, MedGen C1858672, MONDO:0011416, OMIM 604233.

Submissions (3):

Labcorp Genetics (formerly Invitae), Labcorp
Classification: Pathogenic for Early-infantile DEE. Last evaluated: 2022-01-03. Review status: criteria provided, single submitter. Criteria: Invitae Variant Classification Sherloc (09022015). Collection method: clinical testing. Allele origin: germline.
Comment: For these reasons, this variant has been classified as Pathogenic. Advanced modeling of protein sequence and biophysical properties (such as structural, functional, and spatial information, amino acid conservation, physicochemical variation, residue mobility, and thermodynamic stability) performed at Invitae indicates that this missense variant is expected to disrupt SCN1A protein function. ClinVar contains an entry for this variant (Variation ID: 68586). This missense change has been observed in individual(s) with generalized epilepsy with febrile seizures, plus (PMID: 19464195). It has also been observed to segregate with disease in related individuals. This variant is not present in population databases (gnomAD no frequency). This sequence change replaces tyrosine, which is neutral and polar, with histidine, which is basic and polar, at codon 388 of the SCN1A protein (p.Tyr388His).

GeneDx
Classification: Pathogenic. Last evaluated: 2017-10-31. Review status: criteria provided, single submitter. Criteria: GeneDx Variant Classification (06012015). Collection method: clinical testing. Allele origin: germline. Affected: yes.
Comment: The Y388H variant in the SCN1A gene has been reported previously in multiple affected individuals in a family with generalized epilepsy with febrile seizures plus (Mahoney et al., 2009). The Y388H variant is not observed in large population cohorts (Lek et al., 2016). The Y388H variant is a non-conservative amino acid substitution, which is likely to impact secondary protein structure as these residues differ in polarity, charge, size and/or other properties. This substitution occurs at a conserved position predicted to be within the pore forming loop between the S5 and S6 transmembrane segments of the first homologous domain, and multiple missense variants in nearby residues have been reported in the Human Gene Mutation Database in association with SCN1A-related disorders (Stenson et al., 2014), supporting the functional importance of this region of the protein.

UniProtKB/Swiss-Prot
No classification provided. Condition: Generalized epilepsy with febrile seizures plus, type 1. Review status: no classification provided. Collection method: not provided. Allele origin: not provided. Not counted in ClinVar's aggregate classification.

Literature cited by the submitters: PubMed 19464195 (cited by Labcorp Genetics (formerly Invitae), Labcorp).